The following is an entry in ClinVar:

NM_000059.4(BRCA2):c.5351dup (p.Asn1784fs)

Gene: BRCA2 (BRCA2 DNA repair associated; plus strand). Cytogenetic location: 13q13.1.
Variant type: Duplication.
Coding change: c.5351dup on transcript NM_000059.4 (MANE Select); coding-DNA position 5351, one base duplicated (A; older notation c.5351dupA).
Protein change: p.Asn1784fs; shifts the reading frame from asparagine 1784.
Molecular consequence: frameshift variant.
Genome position (GRCh38, 1-based): chr13:32,339,706, A duplicated; the last of 7 consecutive A bases (chr13:32,339,700-32,339,706); duplicating any one gives the same sequence. VCF-style (leftmost placement, unchanged base first): chr13-32339699-C-CA. GRCh37 (hg19) VCF-style: chr13-32913836-C-CA.
Other names: 5579insA; c.5351dupA (NM_000059.3); short protein forms N1784fs.
Identifiers: ClinVar variation 37960 (VCV000037960.72), dbSNP rs80359507, ClinGen allele CA022104.

ClinVar aggregate classification (germline): Pathogenic. Review status: reviewed by expert panel (3 of 4 stars). 35 submissions from 35 submitters: Pathogenic (1). 34 of the submissions do not count toward it. Last evaluated 2016-09-08.

Conditions:
Hereditary breast ovarian cancer syndrome. Also called: Hereditary breast and ovarian cancer; Breast and ovarian cancer; Hereditary breast and/or ovarian cancer syndrome; BRCA1- and BRCA2-Associated Hereditary Breast and Ovarian Cancer; Hereditary breast and ovarian cancer syndrome; Hereditary breast and ovarian cancer syndrome (HBOC). Identifiers: Orphanet 145, MedGen C0677776, MeSH D061325, MONDO:0003582. Disease mechanism: loss of function.
Fanconi anemia complementation group D1. Also called: BRCA2-Related Fanconi Anemia. Identifiers: Orphanet 319462, MedGen C1838457, MONDO:0011584, OMIM 605724.
Inherited ovarian cancer (without breast cancer).
BRCA2-related cancer predisposition. Identifiers: MedGen CN377758, MONDO:0700269.
BRCA2-related disorder. Also called: BRCA2-related condition; BRCA2-related disorders. Identifiers: MedGen CN239275.
Breast and/or ovarian cancer. Identifiers: MedGen CN221562.
Hereditary cancer-predisposing syndrome. Also called: Neoplastic Syndromes, Hereditary; Tumor predisposition; Hereditary Cancer Syndrome; Hereditary neoplastic syndrome. Identifiers: Orphanet 140162, MedGen C0027672, MeSH D009386, MONDO:0015356.
Ovarian neoplasm. Also called: Neoplasm of ovary; Ovarian tumor; Ovarian Neoplasms. Identifiers: MedGen C0919267, MeSH D010051, MONDO:0021068, HP:0100615.
Breast-ovarian cancer, familial, susceptibility to, 2 (BROVCA2). Also called: BRCA2 Hereditary Breast and Ovarian Cancer. Identifiers: Orphanet 145, MedGen C2675520, MONDO:0012933, OMIM 612555. Disease mechanism: loss of function.
Breast-ovarian cancer, familial, susceptibility to, 1 (BROVCA1). Also called: BRCA1 Hereditary Breast and Ovarian Cancer; OVARIAN CANCER, SUSCEPTIBILITY TO. Identifiers: Orphanet 145, MedGen C2676676, MONDO:0011450, OMIM 604370. Disease mechanism: loss of function.
Familial cancer of breast. Also called: Hereditary breast cancer; hereditary breast carcinoma; BREAST CANCER, FAMILIAL. Identifiers: Orphanet 227535, MedGen C0346153, MONDO:0016419, OMIM 114480. Disease mechanism: loss of function.
Breast carcinoma. Also called: Carcinoma of breast. Identifiers: MedGen C0678222, MONDO:0004989, HP:0003002.

Submissions 1 to 10 of 35:

Evidence-based Network for the Interpretation of Germline Mutant Alleles (ENIGMA)
Classification: Pathogenic for Breast-ovarian cancer, familial, susceptibility to, 2. Last evaluated: 2016-09-08. Review status: reviewed by expert panel. Criteria: ENIGMA BRCA1/2 Classification Criteria (2015). Collection method: curation. Allele origin: germline.
Comment: Variant allele predicted to encode a truncated non-functional protein.

Labcorp Genetics (formerly Invitae), Labcorp
Classification: Pathogenic for Hereditary breast ovarian cancer syndrome. Last evaluated: 2025-12-09. Review status: criteria provided, single submitter. Criteria: Invitae Variant Classification Sherloc (09022015). Collection method: clinical testing. Allele origin: germline. Not counted in ClinVar's aggregate classification.
Comment: This sequence change creates a premature translational stop signal (p.Asn1784Lysfs*3) in the BRCA2 gene. It is expected to result in an absent or disrupted protein product. Loss-of-function variants in BRCA2 are known to be pathogenic (PMID: 20104584). This variant is not present in population databases (gnomAD no frequency). This premature translational stop signal has been observed in individual(s) with breast and ovarian cancer (PMID: 10550133, 21232165, 22006311, 25863477). This variant is also known as 5579insA and 5579dupA. ClinVar contains an entry for this variant (Variation ID: 37960). For these reasons, this variant has been classified as Pathogenic.

Dasa
Classification: Pathogenic. Last evaluated: 2025-11-25. Review status: criteria provided, single submitter. Criteria: DASA Assertion Criteria. Collection method: clinical testing. Allele origin: germline. Not counted in ClinVar's aggregate classification.
Comment: NM_000059.4(BRCA2):c.5351dup (p.Asn1784LysfsTer3) is a frameshift variant in BRCA2 predicted to alter the reading frame and introduce a premature termination codon and is predicted to result in an absent or altered protein product. Loss of function is an established disease mechanism for BRCA2 (PMID: 16199546; PMID: 17063271; PMID: 25632310). This variant has been reported in individuals with BRCA2-related disorders. Published studies describe this variant in association with related phenotype (PMID: 28985766; PMID: 19383375; PMID: 17591843). Also, this variant is rare in population databases. Based on the currently available evidence, this variant is classified as pathogenic.

Genetics Laboratory, Great Ormond Street Hospital NHS Foundation Trust, North Thames Genomic Laboratory Hub
Classification: Pathogenic for Inherited ovarian cancer (without breast cancer). Last evaluated: 2025-10-31. Review status: criteria provided, single submitter. Criteria: CanVIG BRCA Gene Specific V1.22. Collection method: clinical testing. Allele origin: germline. Affected: yes. Not counted in ClinVar's aggregate classification.
Comment: PM2_supporting, PVS1_very-strong, PM5_strong

Center for Genomic Medicine, Rigshospitalet, Copenhagen University Hospital
Classification: Pathogenic. Last evaluated: 2025-03-04. Review status: criteria provided, single submitter. Criteria: ACMG Guidelines, 2015. Collection method: clinical testing. Allele origin: germline. Not counted in ClinVar's aggregate classification.

Hema, HEMA – Genetic and Molecular Diagnostic Laboratory
Classification: Pathogenic for BRCA2-related cancer predisposition. Last evaluated: 2025-01-16. Review status: criteria provided, single submitter. Criteria: HEMA Variant Classification Assertion Criteria. Collection method: clinical testing. Allele origin: germline. Not counted in ClinVar's aggregate classification.
Comment: The variant c.5351dup p.(Asn1784Lysfs*3), also known as 5579insA, is a duplication of an adenine nucleotide that results in a frameshift in BRCA2. PVS1: Null variant (frameshift variant) in a gene for which loss of function is a known disease mechanism. It is a frameshift variant that introduces a premature stop codon in exon 11/27, which is predicted to lead to nonsense-mediated decay (NMD) of the transcript. PM5_Strong (PTC): Variant that introduces a stop codon in exon 11 of BRCA2.

Ambry Genetics
Classification: Pathogenic for Hereditary cancer-predisposing syndrome. Last evaluated: 2025-01-13. Review status: criteria provided, single submitter. Criteria: Ambry Variant Classification Scheme 2023. Collection method: clinical testing. Allele origin: germline. Not counted in ClinVar's aggregate classification.
Comment: The c.5351dupA pathogenic mutation, located in coding exon 10 of the BRCA2 gene, results from a duplication of A at nucleotide position 5351, causing a translational frameshift with a predicted alternate stop codon (p.N1784Kfs*3). This mutation has been reported in multiple families with breast and/or ovarian cancer (Verhoog LC et al. J. Clin. Oncol. 1999 Nov;17:3396-402; Peelen T et al. Br. J. Cancer. 2000 Jan;82:151-6; Spitzer E et al. Int. J. Cancer. 2000 Feb;85:474-81; van der Hout AH et al. Hum. Mutat. 2006 Jul;27:654-66; Stegel V et al. BMC Med. Genet. 2011 Jan;12:9; Walsh T et al. Proc. Natl. Acad. Sci. U.S.A. 2011 Nov;108:18032-7; Kang E et al. Breast Cancer Res. Treat. 2015 May;151:157-68; Jakimovska M et al. Breast Cancer Res. Treat. 2018 Apr;168:745-753), and has been described as a Dutch founder mutation based on haplotype analysis (Neuhausen SL et al. Am. J. Hum. Genet. 1998 Jun;62:1381-8; Janaviius R. EPMA J. 2010 Sep;1:397-412). This variant is considered to be rare based on population cohorts in the Genome Aggregation Database (gnomAD). Of note, this alteration is also designated as 5579insA and 5573insA in published literature. In addition to the clinical data presented in the literature, this alteration is expected to result in loss of function by premature protein truncation or nonsense-mediated mRNA decay. As such, this alteration is interpreted as a disease-causing mutation.

Molecular Pathology, Peter Maccallum Cancer Centre
Classification: Pathogenic for Breast-ovarian cancer, familial, susceptibility to, 2. Last evaluated: 2024-05-24. Review status: criteria provided, single submitter. Criteria: ACMG Guidelines, 2015. Collection method: clinical testing. Allele origin: germline. Inheritance: Autosomal dominant inheritance. Not counted in ClinVar's aggregate classification.

Color Diagnostics, LLC DBA Color Health
Classification: Pathogenic for Hereditary cancer-predisposing syndrome. Last evaluated: 2023-11-20. Review status: criteria provided, single submitter. Criteria: ACMG Guidelines, 2015. Collection method: clinical testing. Allele origin: germline. Not counted in ClinVar's aggregate classification.
Comment: This variant inserts 1 nucleotide in exon 11 of the BRCA2 gene, creating a frameshift and premature translation stop signal. This variant is also known as 5579insA and 5573insA in the literature. This variant is expected to result in an absent or non-functional protein product. This variant has been observed in multiple individuals and families affected with breast and/or ovarian cancer (PMID: 9585613, 10638982, 11597388, 21232165, 22006311, 25863477, 29084914, 29335924) and is reported as a founder mutation in the Netherlands (PMID: 9585613, 11597388). This variant has not been identified in the general population by the Genome Aggregation Database (gnomAD). Loss of BRCA2 function is a known mechanism of disease. Based on the available evidence, this variant is classified as Pathogenic.

Baylor Genetics
Classification: Pathogenic for Familial cancer of breast. Last evaluated: 2023-11-14. Review status: criteria provided, single submitter. Criteria: ACMG Guidelines, 2015. Collection method: clinical testing. Allele origin: unknown. Not counted in ClinVar's aggregate classification.